The following is an entry in ClinVar:

ClinVar aggregate classification (germline): Benign/Likely benign. Review status: criteria provided, multiple submitters, no conflicts (2 of 4 stars). 5 submissions from 5 submitters: Benign (4); Likely benign (1). Last evaluated 2026-01-20.

Conditions:
Primary ciliary dyskinesia 13. Also called: CILIARY DYSKINESIA, PRIMARY, 13, WITH OR WITHOUT SITUS INVERSUS. Identifiers: Orphanet 244, MedGen C2750790, MONDO:0013174, OMIM 613193.
Primary ciliary dyskinesia. Also called: Ciliary dyskinesia. Identifiers: Orphanet 244, MedGen C0008780, MONDO:0016575, HP:0012265.

Allele frequency attached by ClinVar (database versions not stated): ESP Exome Variant Server 0.00015; TOPMed 0.00020; gnomAD 0.00112 and 0.00012; gnomAD exomes 0.00352; ExAC 0.00420; 1000 Genomes Project 30x 0.00859; 1000 Genomes Project 0.00938.
gnomAD v4.1: 2,807 of 1,614,026 alleles (0.17%); highest among the groups gnomAD compares: South Asian, 2.7%; 64 homozygotes.

Submissions (5):

Labcorp Genetics (formerly Invitae), Labcorp
Classification: Benign for Primary ciliary dyskinesia. Last evaluated: 2026-01-20. Review status: criteria provided, single submitter. Criteria: Invitae Variant Classification Sherloc (09022015). Collection method: clinical testing. Allele origin: germline.

Mayo Clinic Laboratories, Mayo Clinic
Classification: Benign. Last evaluated: 2025-02-21. Review status: criteria provided, single submitter. Criteria: ACMG Guidelines, 2015. Collection method: clinical testing. Allele origin: germline. Observed: 1 variant allele.
Comment: BS1, BS2, BP4_strong

Illumina Laboratory Services, Illumina
Classification: Likely benign for Primary ciliary dyskinesia 13. Last evaluated: 2018-01-12. Review status: criteria provided, single submitter. Criteria: ICSL Variant Classification Criteria 13 December 2019. Collection method: clinical testing. Allele origin: germline.
Comment: This variant was observed in the ICSL laboratory as part of a predisposition screen in an ostensibly healthy population. It had not been previously curated by ICSL or reported in the Human Gene Mutation Database (HGMD: prior to June 1st, 2018), and was therefore a candidate for classification through an automated scoring system. Utilizing variant allele frequency, disease prevalence and penetrance estimates, and inheritance mode, an automated score was calculated to assess if this variant is too frequent to cause the disease. Based on the score and internal cut-off values, a variant classified as likely benign is not then subjected to further curation. The score for this variant resulted in a classification of likely benign for this disease.

Ambry Genetics
Classification: Benign for Primary ciliary dyskinesia. Last evaluated: 2017-05-01. Review status: criteria provided, single submitter. Criteria: Ambry Variant Classification Scheme 2023. Collection method: clinical testing. Allele origin: germline.

PreventionGenetics, part of Exact Sciences
Classification: Benign. Review status: criteria provided, single submitter. Criteria: ACMG Guidelines, 2015. Collection method: clinical testing. Allele origin: germline.

NM_178452.6(DNAAF1):c.2107G>A (p.Gly703Arg)

Gene: DNAAF1 (dynein axonemal assembly factor 1; plus strand). Cytogenetic location: 16q24.1.
Variant type: single nucleotide variant.
Coding change: c.2107G>A on transcript NM_178452.6 (MANE Select); coding-DNA position 2107, G replaced by A.
Protein change: p.Gly703Arg; replaces glycine 703 with arginine.
Molecular consequence: missense variant.
Genome position (GRCh38, 1-based): chr16:84,177,770, G>A. VCF-style: chr16-84177770-G-A. GRCh37 (hg19) VCF-style: chr16-84211376-G-A.
Other names: c.1399G>A, p.Gly467Arg (NM_001318756.1); short protein forms G703R, G467R.
Identifiers: ClinVar variation 262950 (VCV000262950.19), dbSNP rs4150188, ClinGen allele CA8203170.